The following is an entry in ClinVar:

ClinVar aggregate classification (germline): Uncertain significance (1 of 4 stars; one submission).

Conditions:
Ataxia-telangiectasia syndrome (AT). Also called: ATAXIA-TELANGIECTASIA, COMPLEMENTATION GROUP A; ATAXIA-TELANGIECTASIA, FRESNO VARIANT; LOUIS-BAR SYNDROME; Ataxia-telangiectasia, complementation group D; Ataxia-telangiectasia, complementation group E; Cerebello-oculocutaneous telangiectasia. Identifiers: Orphanet 100, MedGen C0004135, MONDO:0008840, OMIM 208900.

Submission:

Labcorp Genetics (formerly Invitae), Labcorp
Classification: Uncertain significance for Ataxia-telangiectasia syndrome. Last evaluated: 2024-04-27. Review status: criteria provided, single submitter. Criteria: Invitae Variant Classification Sherloc (09022015). Collection method: clinical testing. Allele origin: germline.
Comment: This sequence change replaces lysine, which is basic and polar, with arginine, which is basic and polar, at codon 147 of the ATM protein (p.Lys147Arg). This variant is not present in population databases (gnomAD no frequency). This variant has not been reported in the literature in individuals affected with ATM-related conditions. An algorithm developed to predict the effect of missense changes on protein structure and function (PolyPhen-2) suggests that this variant is likely to be disruptive. In summary, the available evidence is currently insufficient to determine the role of this variant in disease. Therefore, it has been classified as a Variant of Uncertain Significance.

NM_000051.4(ATM):c.440A>G (p.Lys147Arg)

Gene: ATM (ATM serine/threonine kinase; plus strand). Cytogenetic location: 11q22.3.
Variant type: single nucleotide variant.
Coding change: c.440A>G on transcript NM_000051.4 (MANE Select); coding-DNA position 440, A replaced by G.
Protein change: p.Lys147Arg; replaces lysine 147 with arginine.
Molecular consequence: missense variant.
Genome position (GRCh38, 1-based): chr11:108,235,778, A>G. VCF-style: chr11-108235778-A-G. GRCh37 (hg19) VCF-style: chr11-108106505-A-G.
Other names: c.440A>G, p.Lys147Arg (NM_001351834.2); short protein forms K147R.
Identifiers: ClinVar variation 3651313 (VCV003651313.2).
Genomic context (GRCh38, chr11:108,235,778, plus strand): 5'-CAGTGAAAGATTCATCTAATGGTGCTATTTACGGAGCTGATTGTAGCAACATACTACTCA[A>G]AGACATTCTTTCTGTGAGAAAATACTGGTGTGAAATATCTCAGCAACAGTGGTTAGGTAT-3'
Protein context (NP_000042.3, residues 137-157): YGADCSNILL[Lys147Arg]DILSVRKYWC